The following is an entry in ClinVar:

ClinVar aggregate classification (germline): Uncertain significance (1 of 4 stars; one submission).

Conditions:
Distal myopathy with posterior leg and anterior hand involvement. Also called: WILLIAMS DISTAL MYOPATHY. Identifiers: Orphanet 63273, MedGen C3279722, MONDO:0013550, OMIM 614065.
Hypertrophic cardiomyopathy 26. Also called: Cardiomyopathy, familial hypertrophic, 26. Identifiers: Orphanet 75249, MedGen C4310749, MONDO:0014883, OMIM 617047.
Myofibrillar myopathy 5. Also called: Filaminopathy (type); FILAMINOPATHY, AUTOSOMAL DOMINANT. Identifiers: Orphanet 171445, MedGen C1836050, MONDO:0012289, OMIM 609524.

Submission:

Labcorp Genetics (formerly Invitae), Labcorp
Classification: Uncertain significance for Distal myopathy with posterior leg and anterior hand involvement; Myofibrillar myopathy 5; Hypertrophic cardiomyopathy 26. Last evaluated: 2024-08-04. Review status: criteria provided, single submitter. Criteria: Invitae Variant Classification Sherloc (09022015). Collection method: clinical testing. Allele origin: germline.
Comment: This sequence change replaces glycine, which is neutral and non-polar, with serine, which is neutral and polar, at codon 797 of the FLNC protein (p.Gly797Ser). This variant also falls at the last nucleotide of exon 15, which is part of the consensus splice site for this exon. This variant is not present in population databases (gnomAD no frequency). This variant has not been reported in the literature in individuals affected with FLNC-related conditions. An algorithm developed to predict the effect of missense changes on protein structure and function (PolyPhen-2) suggests that this variant is likely to be disruptive. Variants that disrupt the consensus splice site are a relatively common cause of aberrant splicing (PMID: 17576681, 9536098). Algorithms developed to predict the effect of sequence changes on RNA splicing suggest that this variant may disrupt the consensus splice site. In summary, the available evidence is currently insufficient to determine the role of this variant in disease. Therefore, it has been classified as a Variant of Uncertain Significance.

Literature cited by the submitters: PubMed 17576681; PubMed 9536098.

NM_001458.5(FLNC):c.2389G>A (p.Gly797Ser)

Gene: FLNC (filamin C; plus strand). Cytogenetic location: 7q32.1.
Variant type: single nucleotide variant.
Coding change: c.2389G>A on transcript NM_001458.5 (MANE Select); coding-DNA position 2389, G replaced by A.
Protein change: p.Gly797Ser; replaces glycine 797 with serine.
Molecular consequence: missense variant.
Genome position (GRCh38, 1-based): chr7:128,842,698, G>A. VCF-style: chr7-128842698-G-A. GRCh37 (hg19) VCF-style: chr7-128482752-G-A.
Other names: c.2389G>A, p.Gly797Ser (NM_001127487.2); short protein forms G797S.
Identifiers: ClinVar variation 3757524 (VCV003757524.2).
Genomic context (GRCh38, chr7:128,842,698, plus strand): 5'-ACAGGCCTCAAGGCCAATGAGCCCACCTACTTCACGGTGGACTGCAGCGAGGCGGGGCAA[G>A]GTGCGCCCAGCCGGAAGGGGTGGGTCTGGGAGGGGGCGGGGGTGAGTCGAGTCGGGGGCT-3'
Protein context (NP_001449.3, residues 787-807): FTVDCSEAGQ[Gly797Ser]DVSIGIKCAP